The following is an entry in ClinVar:

ClinVar aggregate classification (germline): Pathogenic/Likely pathogenic. Review status: criteria provided, multiple submitters, no conflicts (2 of 4 stars). 3 submissions from 3 submitters: Pathogenic (1); Likely pathogenic (2). Last evaluated 2025-02-21.

Conditions:
Nonsyndromic genetic hearing loss. Also called: Nonsyndromic hearing loss and deafness; Nonsyndromic genetic deafness; Non-syndromic genetic deafness. Identifiers: Orphanet 87884, MedGen C5680182, MONDO:0019497.
Autosomal recessive nonsyndromic hearing loss 77. Identifiers: Orphanet 90636, MedGen C2746083, MONDO:0013119, OMIM 613079.

Submissions (3):

Natera, Inc.
Classification: Likely pathogenic for Autosomal recessive deafness type 77. Last evaluated: 2025-02-21. Review status: criteria provided, single submitter. Criteria: Natera Variant Classification Schema (03/2026). Collection method: clinical testing. Allele origin: germline.
Comment: The c.2913dupA variant in LOXHD1 is a frameshift variant predicted to shift the reading frame beginning at codon 972 and leads to a stop codon 17 codons downstream. This variant is expected to result in nonsense mediated decay, truncation, or a dysfunctional protein product. This variant is rare in the general population with a frequency below the threshold expected for the associated phenotype(s). Given the available evidence, this variant is classified as Likely Pathogenic.

Women's Health and Genetics/Laboratory Corporation of America, LabCorp
Classification: Likely pathogenic for Nonsyndromic genetic hearing loss. Last evaluated: 2023-03-06. Review status: criteria provided, single submitter. Criteria: LabCorp Variant Classification Summary - May 2015. Collection method: clinical testing. Allele origin: germline.
Comment: Variant summary: LOXHD1 c.2913dupA (p.Glu972ArgfsX17) results in a premature termination codon, predicted to cause a truncation of the encoded protein or absence of the protein due to nonsense mediated decay, which are commonly known mechanisms for disease. Truncations downstream of this position have been classified as pathogenic in ClinVar database. The variant was absent in 158796 control chromosomes. To our knowledge, no occurrence of c.2913dupA in individuals affected with Nonsyndromic Hearing Loss And Deafness, Type 77 and no experimental evidence demonstrating its impact on protein function have been reported. One ClinVar submitter (evaluation after 2014) cites this variant as pathogenic. Based on the evidence outlined above, the variant was classified as likely pathogenic.

Labcorp Genetics (formerly Invitae), Labcorp
Classification: Pathogenic. Last evaluated: 2022-06-14. Review status: criteria provided, single submitter. Criteria: Invitae Variant Classification Sherloc (09022015). Collection method: clinical testing. Allele origin: germline.
Comment: This variant is not present in population databases (gnomAD no frequency). For these reasons, this variant has been classified as Pathogenic. ClinVar contains an entry for this variant (Variation ID: 1071458). This variant has not been reported in the literature in individuals affected with LOXHD1-related conditions. This sequence change creates a premature translational stop signal (p.Glu972Argfs*17) in the LOXHD1 gene. It is expected to result in an absent or disrupted protein product. Loss-of-function variants in LOXHD1 are known to be pathogenic (PMID: 19732867, 21465660, 25792669).

Literature cited by the submitters: PubMed 19732867 (cited by Labcorp Genetics (formerly Invitae), Labcorp); PubMed 21465660 (cited by Labcorp Genetics (formerly Invitae), Labcorp); PubMed 25792669 (cited by Labcorp Genetics (formerly Invitae), Labcorp).

NM_001384474.1(LOXHD1):c.2913dup (p.Glu972fs)

Gene: LOXHD1 (lipoxygenase homology PLAT domains 1; minus strand). Cytogenetic location: 18q21.1.
Variant type: Duplication.
Coding change: c.2913dup on transcript NM_001384474.1 (MANE Select); coding-DNA position 2913, one base duplicated (A; older notation c.2913dupA).
Protein change: p.Glu972fs; shifts the reading frame from glutamic acid 972.
Molecular consequence: frameshift variant.
Genome position (GRCh38, 1-based): chr18:46,560,231, T duplicated on the plus strand (A on the coding strand, the reverse complement: LOXHD1 is on the minus strand); the first of 2 consecutive T bases (chr18:46,560,231-46,560,232); duplicating either gives the same sequence. VCF-style (leftmost placement, unchanged base first): chr18-46560230-C-CT. GRCh37 (hg19) VCF-style: chr18-44140193-C-CT.
Other names: c.2913dup, p.Glu972fs (NM_144612.7); c.2913dupA (NM_144612.6); short protein forms E972fs.
Identifiers: ClinVar variation 1071458 (VCV001071458.10), dbSNP rs974766727, ClinGen allele CA299794346.